The following is an entry in ClinVar:

NM_031935.3(HMCN1):c.7163G>A (p.Gly2388Glu)

Gene: HMCN1 (hemicentin 1; plus strand). Cytogenetic location: 1q31.1.
Variant type: single nucleotide variant.
Coding change: c.7163G>A on transcript NM_031935.3 (MANE Select); coding-DNA position 7163, G replaced by A.
Protein change: p.Gly2388Glu; replaces glycine 2388 with glutamic acid.
Molecular consequence: missense variant.
Genome position (GRCh38, 1-based): chr1:186,057,252, G>A. VCF-style: chr1-186057252-G-A. GRCh37 (hg19) VCF-style: chr1-186026384-G-A.
Other names: short protein forms G2388E.
Identifiers: ClinVar variation 1501868 (VCV001501868.6), dbSNP rs550906893, ClinGen allele CA1292768.

ClinVar aggregate classification (germline): Uncertain significance (1 of 4 stars; one submission).

Allele frequency attached by ClinVar (database versions not stated): gnomAD 0.00001 and 0.00002; gnomAD exomes 0.00005 and 0.00008; ExAC 0.00007; 1000 Genomes Project 30x 0.00016; 1000 Genomes Project 0.00020.
gnomAD v4.1: 75 of 1,611,376 alleles (0.0047%); highest among the groups gnomAD compares: South Asian, 0.067%; no homozygotes.

Submission:

Labcorp Genetics (formerly Invitae), Labcorp
Classification: Uncertain significance. Last evaluated: 2025-06-12. Review status: criteria provided, single submitter. Criteria: Invitae Variant Classification Sherloc (09022015). Collection method: clinical testing. Allele origin: germline.
Comment: This sequence change replaces glycine, which is neutral and non-polar, with glutamic acid, which is acidic and polar, at codon 2388 of the HMCN1 protein (p.Gly2388Glu). This variant is present in population databases (rs550906893, gnomAD 0.07%), and has an allele count higher than expected for a pathogenic variant. This variant has not been reported in the literature in individuals affected with HMCN1-related conditions. ClinVar contains an entry for this variant (Variation ID: 1501868). An algorithm developed to predict the effect of missense changes on protein structure and function (PolyPhen-2) suggests that this variant is likely to be disruptive. In summary, the available evidence is currently insufficient to determine the role of this variant in disease. Therefore, it has been classified as a Variant of Uncertain Significance.